The following is an entry in ClinVar:

ClinVar aggregate classification (germline): Uncertain significance (1 of 4 stars; one submission).

Conditions:
Aortic aneurysm, familial thoracic 12. Identifiers: MedGen C5676959, MONDO:0030731, OMIM 619825.

Submission:

Victorian Clinical Genetics Services, Murdoch Childrens Research Institute
Classification: Uncertain significance for Aortic aneurysm, familial thoracic 12. Last evaluated: 2024-10-09. Review status: criteria provided, single submitter. Criteria: ACMG Guidelines, 2015. Collection method: clinical testing. Allele origin: germline. Inheritance: Autosomal dominant inheritance. Affected: yes.
Comment: Based on the classification scheme VCGS_Germline_v1.3.4, this variant is classified as VUS-3B. Following criteria are met: 0102 - Loss of function is a known mechanism of disease in this gene and is associated with aortic aneurysm, familial thoracic 12 (MIM#619825) (PMID: 32855533). (I) 0107 - This gene is associated with autosomal dominant disease. (I) 0200 - Variant is predicted to result in a missense amino acid change from threonine to proline. (I) 0251 - This variant is heterozygous. (I) 0301 - Variant is absent from gnomAD (both v2 and v3). (SP) 0309 - An alternative amino acid change at the same position has been observed in gnomAD (v2) (2 heterozygotes, 0 homozygotes). (I) 0502 - Missense variant with conflicting in silico predictions and uninformative conservation. (I) 0600 - Variant is located in the annotated PLAC (protease and lacunin) domain (DECIPHER). (I) 0705 - No comparable missense variants have previous evidence for pathogenicity. (I) 0807 - This variant has no previous evidence of pathogenicity. (I) 0905 - No published segregation evidence has been identified for this variant. (I) 1007 - No published functional evidence has been identified for this variant. (I) 1208 - Inheritance information for this variant is not currently available in this individual. (I) Legend: (SP) - Supporting pathogenic, (I) - Information, (SB) - Supporting benign

Literature cited by the submitters: PubMed 32855533.

NM_024817.3(THSD4):c.2992A>C (p.Thr998Pro)

Gene: THSD4 (thrombospondin type 1 domain containing 4; plus strand). Cytogenetic location: 15q23.
Variant type: single nucleotide variant.
Coding change: c.2992A>C on transcript NM_024817.3 (MANE Select); coding-DNA position 2992, A replaced by C.
Protein change: p.Thr998Pro; replaces threonine 998 with proline.
Molecular consequence: missense variant.
Genome position (GRCh38, 1-based): chr15:71,777,309, A>C. VCF-style: chr15-71777309-A-C. GRCh37 (hg19) VCF-style: chr15-72069648-A-C.
Other names: c.1912A>C, p.Thr638Pro (NM_001286429.2); c.2992A>C, p.Thr998Pro (NM_001394532.1); short protein forms T638P, T998P.
Identifiers: ClinVar variation 3376882 (VCV003376882.1).